The following is an entry in ClinVar:

ClinVar aggregate classification (germline): Likely benign. Review status: criteria provided, single submitter (1 of 4 stars). 2 submissions from 2 submitters: Likely benign (1). 1 of the submissions does not count toward it. Last evaluated 2022-12-23.

Conditions:
CDC42BPB-related disorder.

Allele frequency attached by ClinVar (database versions not stated): gnomAD exomes below 0.00001; TOPMed below 0.00001; gnomAD 0.00001.
gnomAD v4.1: 6 of 1,613,024 alleles (0.00037%); highest among the groups gnomAD compares: Middle Eastern, 0.016%; no homozygotes.

Submissions (2):

Blueprint Genetics
Classification: Likely benign. Last evaluated: 2022-12-23. Review status: criteria provided, single submitter. Criteria: ACMG Guidelines, 2015. Collection method: clinical testing. Allele origin: germline.

PreventionGenetics, part of Exact Sciences
Classification: Likely benign for CDC42BPB-related condition. Last evaluated: 2019-07-10. Review status: no assertion criteria provided. Collection method: clinical testing. Allele origin: germline. Not counted in ClinVar's aggregate classification.
Comment: This variant is classified as likely benign based on ACMG/AMP sequence variant interpretation guidelines (Richards et al. 2015 PMID: 25741868, with internal and published modifications).

NM_006035.4(CDC42BPB):c.3918T>C (p.Tyr1306=)

Gene: CDC42BPB (CDC42 binding protein kinase beta; minus strand). Cytogenetic location: 14q32.32.
Variant type: single nucleotide variant.
Coding change: c.3918T>C on transcript NM_006035.4 (MANE Select); coding-DNA position 3918, T replaced by C.
Protein change: p.Tyr1306=; no amino-acid change (tyrosine 1306 retained).
Molecular consequence: synonymous variant.
Genome position (GRCh38, 1-based): chr14:102,944,381, A>G on the plus strand (T>C on the coding strand, the complement: CDC42BPB is on the minus strand). VCF-style: chr14-102944381-A-G. GRCh37 (hg19) VCF-style: chr14-103410718-A-G.
Other names: c.3840T>C, p.Tyr1280= (NM_001411054.1).
Identifiers: ClinVar variation 3050436 (VCV003050436.3), dbSNP rs1284344801, ClinGen allele CA488193410.